The following is an entry in ClinVar:

ClinVar aggregate classification (germline): Uncertain significance (1 of 4 stars; one submission).

gnomAD v4.1: 3 of 1,573,566 alleles (0.00019%); highest among the groups gnomAD compares: Admixed American, 0.0039%; no homozygotes.

Submission:

GeneDx
Classification: Uncertain significance. Last evaluated: 2024-07-07. Review status: criteria provided, single submitter. Criteria: GeneDx Variant Classification Process June 2021. Collection method: clinical testing. Allele origin: germline. Affected: yes.
Comment: In silico analysis supports that this missense variant has a deleterious effect on protein structure/function; Has not been previously published as pathogenic or benign to our knowledge

NM_006421.5(ARFGEF1):c.140A>C (p.Glu47Ala)

Gene: ARFGEF1 (ARF guanine nucleotide exchange factor 1; minus strand). Cytogenetic location: 8q13.2.
Variant type: single nucleotide variant.
Coding change: c.140A>C on transcript NM_006421.5 (MANE Select); coding-DNA position 140, A replaced by C.
Protein change: p.Glu47Ala; replaces glutamic acid 47 with alanine.
Molecular consequence: missense variant. On other transcripts: 5 prime UTR variant (3), non-coding transcript variant (1), intron variant (1).
Genome position (GRCh38, 1-based): chr8:67,302,451, T>G on the plus strand (A>C on the coding strand, the complement: ARFGEF1 is on the minus strand). VCF-style: chr8-67302451-T-G. GRCh37 (hg19) VCF-style: chr8-68214686-T-G.
Other names: c.140A>C, p.Glu47Ala (NM_001413184.1, NM_001413185.1, NM_001413186.1 and 7 more transcripts); c.-461A>C (NM_001413188.1, NM_001413193.1); c.-976A>C (NM_001413196.1); c.-445-1071A>C (NM_001413197.1); short protein forms E47A.
Identifiers: ClinVar variation 3572687 (VCV003572687.1).